The following is an entry in ClinVar:

NM_015259.6(ICOSLG):c.581G>A (p.Arg194Gln)

Gene: ICOSLG (inducible T cell costimulator ligand; minus strand). Cytogenetic location: 21q22.3.
Variant type: single nucleotide variant.
Coding change: c.581G>A on transcript NM_015259.6 (MANE Select); coding-DNA position 581, G replaced by A.
Protein change: p.Arg194Gln; replaces arginine 194 with glutamine.
Molecular consequence: missense variant.
Genome position (GRCh38, 1-based): chr21:44,235,388, C>T on the plus strand (G>A on the coding strand, the complement: ICOSLG is on the minus strand). VCF-style: chr21-44235388-C-T. GRCh37 (hg19) VCF-style: chr21-45655271-C-T.
Other names: c.581G>A, p.Arg194Gln (NM_001283050.2); c.230G>A, p.Arg77Gln (NM_001283051.2); c.326G>A, p.Arg109Gln (NM_001283052.2); c.500G>A, p.Arg167Gln (NM_001365759.2); c.581G>A (NM_015259.4); short protein forms R167Q, R194Q, R109Q, R77Q.
Identifiers: ClinVar variation 1389168 (VCV001389168.8), dbSNP rs56105929, ClinGen allele CA321497154.

ClinVar aggregate classification (germline): Uncertain significance. Review status: criteria provided, multiple submitters, no conflicts (2 of 4 stars). 3 submissions from 3 submitters: Uncertain significance (3). Last evaluated 2025-10-16.

Allele frequency attached by ClinVar (database versions not stated): ExAC 0.00006; gnomAD exomes 0.00007; 1000 Genomes Project 0.00020.

Submissions (3):

Labcorp Genetics (formerly Invitae), Labcorp
Classification: Uncertain significance. Last evaluated: 2025-10-16. Review status: criteria provided, single submitter. Criteria: Invitae Variant Classification Sherloc (09022015). Collection method: clinical testing. Allele origin: germline.
Comment: This sequence change replaces arginine, which is basic and polar, with glutamine, which is neutral and polar, at codon 194 of the ICOSLG protein (p.Arg194Gln). This variant is present in population databases (rs56105929, gnomAD 0.03%). This variant has not been reported in the literature in individuals affected with ICOSLG-related conditions. ClinVar contains an entry for this variant (Variation ID: 1389168). An algorithm developed to predict the effect of missense changes on protein structure and function outputs the following: PolyPhen-2: "Benign". The glutamine amino acid residue is found in multiple mammalian species, which suggests that this missense change does not adversely affect protein function. Algorithms developed to predict the effect of sequence changes on RNA splicing suggest that this variant may create or strengthen a splice site. In summary, the available evidence is currently insufficient to determine the role of this variant in disease. Therefore, it has been classified as a Variant of Uncertain Significance.

Ambry Genetics
Classification: Uncertain significance. Last evaluated: 2024-06-04. Review status: criteria provided, single submitter. Criteria: Ambry Variant Classification Scheme 2023. Collection method: clinical testing. Allele origin: germline.

Breakthrough Genomics
Classification: Uncertain significance. Review status: criteria provided, single submitter. Criteria: ACMG Guidelines, 2015. Collection method: not provided. Allele origin: germline. Inheritance: Autosomal dominant inheritance. Affected: yes.